The following is an entry in ClinVar:

ClinVar aggregate classification (germline): Uncertain significance. Review status: criteria provided, multiple submitters, no conflicts (2 of 4 stars). 2 submissions from 2 submitters: Uncertain significance (2). Last evaluated 2023-12-14.

Conditions:
Gorlin syndrome. Also called: Nevoid Basal Cell Carcinoma Syndrome; Basal cell nevus syndrome. Identifiers: Orphanet 377, MedGen C0004779, MONDO:0007187.

Submissions (2):

GeneDx
Classification: Uncertain significance. Last evaluated: 2023-12-14. Review status: criteria provided, single submitter. Criteria: GeneDx Variant Classification Process June 2021. Collection method: clinical testing. Allele origin: germline. Affected: yes.
Comment: Not observed at significant frequency in large population cohorts (gnomAD); In silico analysis supports that this missense variant has a deleterious effect on protein structure/function; Has not been previously published as pathogenic or benign to our knowledge; This variant is associated with the following publications: (PMID: 8906794)

Labcorp Genetics (formerly Invitae), Labcorp
Classification: Uncertain significance for Gorlin syndrome. Last evaluated: 2022-12-08. Review status: criteria provided, single submitter. Criteria: Invitae Variant Classification Sherloc (09022015). Collection method: clinical testing. Allele origin: germline.
Comment: In summary, the available evidence is currently insufficient to determine the role of this variant in disease. Therefore, it has been classified as a Variant of Uncertain Significance. Advanced modeling of protein sequence and biophysical properties (such as structural, functional, and spatial information, amino acid conservation, physicochemical variation, residue mobility, and thermodynamic stability) has been performed at Invitae for this missense variant, however the output from this modeling did not meet the statistical confidence thresholds required to predict the impact of this variant on PTCH1 protein function. This variant has not been reported in the literature in individuals affected with PTCH1-related conditions. This variant is not present in population databases (gnomAD no frequency). This sequence change replaces tyrosine, which is neutral and polar, with serine, which is neutral and polar, at codon 884 of the PTCH1 protein (p.Tyr884Ser).

NM_000264.5(PTCH1):c.2651A>C (p.Tyr884Ser)

Gene: PTCH1 (patched 1; minus strand). Cytogenetic location: 9q22.32.
Variant type: single nucleotide variant.
Coding change: c.2651A>C on transcript NM_000264.5 (MANE Select); coding-DNA position 2651, A replaced by C.
Protein change: p.Tyr884Ser; replaces tyrosine 884 with serine.
Molecular consequence: missense variant. On other transcripts: non-coding transcript variant (1).
Genome position (GRCh38, 1-based): chr9:95,461,908, T>G on the plus strand (A>C on the coding strand, the complement: PTCH1 is on the minus strand). VCF-style: chr9-95461908-T-G. GRCh37 (hg19) VCF-style: chr9-98224190-T-G.
Other names: c.2453A>C, p.Tyr818Ser (NM_001083602.3); c.2648A>C, p.Tyr883Ser (NM_001083603.3); c.2198A>C, p.Tyr733Ser (NM_001083604.3, NM_001083605.3, NM_001083606.3 and 1 more transcripts); c.2495A>C, p.Tyr832Ser (NM_001354918.2); short protein forms Y733S, Y884S, Y832S, Y818S, Y883S.
Identifiers: ClinVar variation 2819526 (VCV002819526.4), dbSNP rs2136687938, ClinGen allele CA374113387.